The following is an entry in ClinVar:

NM_018942.3(HMX1):c.266C>T (p.Pro89Leu)

Gene: HMX1 (H6 family homeobox 1; minus strand). Cytogenetic location: 4p16.1.
Variant type: single nucleotide variant.
Coding change: c.266C>T on transcript NM_018942.3 (MANE Select); coding-DNA position 266, C replaced by T.
Protein change: p.Pro89Leu; replaces proline 89 with leucine.
Molecular consequence: missense variant.
Genome position (GRCh38, 1-based): chr4:8,871,349, G>A on the plus strand (C>T on the coding strand, the complement: HMX1 is on the minus strand). VCF-style: chr4-8871349-G-A. GRCh37 (hg19) VCF-style: chr4-8873075-G-A.
Other names: c.266C>T, p.Pro89Leu (NM_001306142.2); short protein forms P89L.
Identifiers: ClinVar variation 1038048 (VCV001038048.8), dbSNP rs1722211479, ClinGen allele CA356278978.
Genomic context (GRCh38, chr4:8,871,349, plus strand): 5'-CCCAGAGCGAAGGGCGGCCCGGGACCGGGGGGCGGCCGAGGACCGAGGCCCAGCGCGCCC[G>A]GCCCGAGCAGCGCACGGGCCCGCGCCTCCCCGCCGGGCCCGGTGCCCGCGAGCAACTGTC-3'
Protein context (NP_061815.2, residues 79-99): GEARARALLG[Pro89Leu]GALGLGPRPP

ClinVar aggregate classification (germline): Uncertain significance (1 of 4 stars; one submission).

Allele frequency attached by ClinVar (database versions not stated): gnomAD 0.00001.
gnomAD v4.1: 2 of 1,262,214 alleles (0.00016%); highest among the groups gnomAD compares: Non-Finnish European, 0.0002%; no homozygotes.

Submission:

Labcorp Genetics (formerly Invitae), Labcorp
Classification: Uncertain significance. Last evaluated: 2020-11-18. Review status: criteria provided, single submitter. Criteria: Invitae Variant Classification Sherloc (09022015). Collection method: clinical testing. Allele origin: germline.
Comment: This variant has not been reported in the literature in individuals with HMX1-related conditions. In summary, the available evidence is currently insufficient to determine the role of this variant in disease. Therefore, it has been classified as a Variant of Uncertain Significance. Algorithms developed to predict the effect of missense changes on protein structure and function are either unavailable or do not agree on the potential impact of this missense change (SIFT: "Deleterious"; PolyPhen-2: "Not Available"; Align-GVGD: "Class C0"). The frequency data for this variant in the population databases is considered unreliable, as metrics indicate insufficient coverage at this position in the ExAC database. This sequence change replaces proline with leucine at codon 89 of the HMX1 protein (p.Pro89Leu). The proline residue is weakly conserved and there is a moderate physicochemical difference between proline and leucine.